The following is an entry in ClinVar:

ClinVar aggregate classification (germline): Uncertain significance. Review status: criteria provided, multiple submitters, no conflicts (2 of 4 stars). 4 submissions from 4 submitters: Uncertain significance (4). Last evaluated 2024-10-03.

Conditions:
Inherited focal segmental glomerulosclerosis. Identifiers: MedGen CN327126, MONDO:0005363.
Focal segmental glomerulosclerosis 3, susceptibility to (FSGS3). Identifiers: Orphanet 656, MedGen C1842982, MONDO:0011917, OMIM 607832.

Allele frequency attached by ClinVar (database versions not stated): 1000 Genomes Project 30x 0.00016; 1000 Genomes Project 0.00020; ESP Exome Variant Server 0.00038; TOPMed 0.00014; gnomAD 0.00015.
gnomAD v4.1: 455 of 1,611,828 alleles (0.028%); highest among the groups gnomAD compares: Non-Finnish European, 0.036%; 1 homozygote.

Submissions (4):

Labcorp Genetics (formerly Invitae), Labcorp
Classification: Uncertain significance. Last evaluated: 2024-10-03. Review status: criteria provided, single submitter. Criteria: Invitae Variant Classification Sherloc (09022015). Collection method: clinical testing. Allele origin: germline.
Comment: This sequence change replaces methionine, which is neutral and non-polar, with isoleucine, which is neutral and non-polar, at codon 496 of the CD2AP protein (p.Met496Ile). This variant is present in population databases (rs143297472, gnomAD 0.03%). This missense change has been observed in individual(s) with focal segmental glomerulosclerosis (PMID: 18443213). ClinVar contains an entry for this variant (Variation ID: 1018891). Invitae Evidence Modeling of protein sequence and biophysical properties (such as structural, functional, and spatial information, amino acid conservation, physicochemical variation, residue mobility, and thermodynamic stability) indicates that this missense variant is not expected to disrupt CD2AP protein function with a negative predictive value of 80%. In summary, the available evidence is currently insufficient to determine the role of this variant in disease. Therefore, it has been classified as a Variant of Uncertain Significance.

Fulgent Genetics
Classification: Uncertain significance for Focal segmental glomerulosclerosis 3, susceptibility to. Last evaluated: 2024-01-25. Review status: criteria provided, single submitter. Criteria: ACMG Guidelines, 2015. Collection method: clinical testing. Allele origin: germline.

Department of Pathology and Laboratory Medicine, Sinai Health System
Classification: Uncertain significance for inherited focal segmental glomerulosclerosis. Last evaluated: 2021-07-30. Review status: criteria provided, single submitter. Criteria: ACMG Guidelines, 2015. Collection method: research. Allele origin: germline.

Breakthrough Genomics
Classification: Uncertain significance. Review status: criteria provided, single submitter. Criteria: ACMG Guidelines, 2015. Collection method: not provided. Allele origin: germline. Inheritance: Unknown mechanism. Affected: yes.

Literature cited by the submitters: PubMed 18443213 (cited by Labcorp Genetics (formerly Invitae), Labcorp).

NM_012120.3(CD2AP):c.1488G>A (p.Met496Ile)

Gene: CD2AP (CD2 associated protein; plus strand). Cytogenetic location: 6p12.3.
Variant type: single nucleotide variant.
Coding change: c.1488G>A on transcript NM_012120.3 (MANE Select); coding-DNA position 1488, G replaced by A.
Protein change: p.Met496Ile; replaces methionine 496 with isoleucine.
Molecular consequence: missense variant.
Genome position (GRCh38, 1-based): chr6:47,606,235, G>A. VCF-style: chr6-47606235-G-A. GRCh37 (hg19) VCF-style: chr6-47573971-G-A.
Other names: short protein forms M496I.
Identifiers: ClinVar variation 1018891 (VCV001018891.13), dbSNP rs143297472, ClinGen allele CA3844342.